The following is an entry in ClinVar:

NM_018060.4(IARS2):c.3010C>T (p.Arg1004Ter)

Gene: IARS2 (isoleucyl-tRNA synthetase 2, mitochondrial; plus strand). Cytogenetic location: 1q41.
Variant type: single nucleotide variant.
Coding change: c.3010C>T on transcript NM_018060.4 (MANE Select); coding-DNA position 3010, C replaced by T.
Protein change: p.Arg1004Ter; replaces arginine 1004 with a stop codon.
Molecular consequence: nonsense.
Genome position (GRCh38, 1-based): chr1:220,147,606, C>T. VCF-style: chr1-220147606-C-T. GRCh37 (hg19) VCF-style: chr1-220320948-C-T.
Other names: short protein forms R1004*.
Identifiers: ClinVar variation 3640632 (VCV003640632.2).
Genomic context (GRCh38, chr1:220,147,606, plus strand): 5'-AAAGAAAAATGCCCCCGTTGTTGGAAGTATACAGCGGAGTCTTCAGATACACTGTGTCCT[C>T]GATGTGCAGAAGTTGTCAGTGGAAAATAGTATTAACAGCTCACTCGAGCAAGAACCCTCC-3'

ClinVar aggregate classification (germline): Uncertain significance (1 of 4 stars; one submission).

Submission:

Labcorp Genetics (formerly Invitae), Labcorp
Classification: Uncertain significance. Last evaluated: 2024-04-02. Review status: criteria provided, single submitter. Criteria: Invitae Variant Classification Sherloc (09022015). Collection method: clinical testing. Allele origin: germline.
Comment: This sequence change creates a premature translational stop signal (p.Arg1004*) in the IARS2 gene. While this is not anticipated to result in nonsense mediated decay, it is expected to disrupt the last 9 amino acid(s) of the IARS2 protein. This variant is present in population databases (rs777139963, gnomAD 0.0009%). This variant has not been reported in the literature in individuals affected with IARS2-related conditions. Experimental studies and prediction algorithms are not available or were not evaluated, and the functional significance of this variant is currently unknown. In summary, the available evidence is currently insufficient to determine the role of this variant in disease. Therefore, it has been classified as a Variant of Uncertain Significance.